The following is an entry in ClinVar:

NM_181486.4(TBX5):c.1390C>T (p.Gln464Ter)

Gene: TBX5 (T-box transcription factor 5; minus strand). Cytogenetic location: 12q24.21.
Variant type: single nucleotide variant.
Coding change: c.1390C>T on transcript NM_181486.4 (MANE Select); coding-DNA position 1390, C replaced by T.
Protein change: p.Gln464Ter; replaces glutamine 464 with a stop codon.
Molecular consequence: nonsense.
Genome position (GRCh38, 1-based): chr12:114,355,699, G>A on the plus strand (C>T on the coding strand, the complement: TBX5 is on the minus strand). VCF-style: chr12-114355699-G-A. GRCh37 (hg19) VCF-style: chr12-114793504-G-A.
Other names: c.1390C>T, p.Gln464Ter (NM_000192.3); c.1240C>T, p.Gln414Ter (NM_080717.4); short protein forms Q414*, Q464*.
Identifiers: ClinVar variation 3804944 (VCV003804944.1).
Genomic context (GRCh38, chr12:114,355,699, plus strand): 5'-GCTGAAGGGTGCCAGGGGACTGCAGGCCAGTCTGAGGCCCACACTGCCTGACCACAGGCT[G>A]GTGGGCCACGGAGGTCTGGTGCTGGAACATTCCCTCTCCCAGCTGTGGGGAGCCATGGTT-3'

ClinVar aggregate classification (germline): Uncertain significance (1 of 4 stars; one submission).

Conditions:
Cardiovascular phenotype. Identifiers: MedGen CN230736.

Submission:

Ambry Genetics
Classification: Uncertain significance for Cardiovascular phenotype. Last evaluated: 2025-03-01. Review status: criteria provided, single submitter. Criteria: Ambry Variant Classification Scheme 2023. Collection method: clinical testing. Allele origin: germline.
Comment: The p.Q464* variant (also known as c.1390C>T), located in coding exon 8 of the TBX5 gene, results from a C to T substitution at nucleotide position 1390. This changes the amino acid from a glutamine to a stop codon within coding exon 8. This alteration occurs at the 3' terminus of theTBX5 gene, is not expected to trigger nonsense-mediated mRNAdecay, and impacts the last 10% of the protein. The exact functional effect of this alteration is unknown. Based on the available evidence, the clinical significance of this variant remains unclear.